The following is an entry in ClinVar:

NM_014714.4(IFT140):c.478C>T (p.Pro160Ser)

Genes: IFT140 (intraflagellar transport 140; minus strand), LOC105371046 (uncharacterized LOC105371046; plus strand). Cytogenetic location: 16p13.3.
Variant type: single nucleotide variant.
Coding change: c.478C>T on transcript NM_014714.4 (MANE Select); coding-DNA position 478, C replaced by T.
Protein change: p.Pro160Ser; replaces proline 160 with serine.
Molecular consequence: missense variant.
Genome position (GRCh38, 1-based): chr16:1,592,480, G>A on the plus strand (C>T on the coding strand, the complement: IFT140 is on the minus strand). VCF-style: chr16-1592480-G-A. GRCh37 (hg19) VCF-style: chr16-1642481-G-A.
Other names: short protein forms P160S.
Identifiers: ClinVar variation 4777413 (VCV004777413.1).

ClinVar aggregate classification (germline): Uncertain significance (1 of 4 stars; one submission).

Conditions:
Saldino-Mainzer syndrome (SRTD9). Also called: CONORENAL SYNDROME; Renal dysplasia, retinal pigmentary dystrophy, cerebellar ataxia and skeletal dysplasia; SHORT-RIB THORACIC DYSPLASIA 9 WITHOUT POLYDACTYLY; short-rib thoracic dysplasia 9 with or without polydactyly. Identifiers: Orphanet 140969, MedGen C1849437, MONDO:0009964, OMIM 266920.

gnomAD v4.1: 1 of 1,614,212 alleles (0.000062%); highest among the groups gnomAD compares: Admixed American, 0.0017%; no homozygotes.

Submission:

Labcorp Genetics (formerly Invitae), Labcorp
Classification: Uncertain significance for Saldino-Mainzer syndrome. Last evaluated: 2025-08-25. Review status: criteria provided, single submitter. Criteria: Invitae Variant Classification Sherloc (09022015). Collection method: clinical testing. Allele origin: germline.
Comment: This sequence change replaces proline, which is neutral and non-polar, with serine, which is neutral and polar, at codon 160 of the IFT140 protein (p.Pro160Ser). This variant is present in population databases (no rsID available, gnomAD 0.003%). This variant has not been reported in the literature in individuals affected with IFT140-related conditions. Invitae Evidence Modeling of protein sequence and biophysical properties (such as structural, functional, and spatial information, amino acid conservation, physicochemical variation, residue mobility, and thermodynamic stability) indicates that this missense variant is not expected to disrupt IFT140 protein function with a negative predictive value of 95%. In summary, the available evidence is currently insufficient to determine the role of this variant in disease. Therefore, it has been classified as a Variant of Uncertain Significance.